The following is an entry in ClinVar:

ClinVar aggregate classification (germline): Uncertain significance. Review status: criteria provided, multiple submitters, no conflicts (2 of 4 stars). 4 submissions from 4 submitters: Uncertain significance (4). Last evaluated 2025-05-05.

Conditions:
Hereditary cancer-predisposing syndrome. Also called: Neoplastic Syndromes, Hereditary; Hereditary Cancer Syndrome; Tumor predisposition; Hereditary neoplastic syndrome. Identifiers: Orphanet 140162, MedGen C0027672, MeSH D009386, MONDO:0015356.
Familial cancer of breast. Also called: hereditary breast carcinoma; BREAST CANCER, FAMILIAL; Hereditary breast cancer. Identifiers: Orphanet 227535, MedGen C0346153, MONDO:0016419, OMIM 114480. Disease mechanism: loss of function.

Allele frequency attached by ClinVar (database versions not stated): gnomAD exomes below 0.00001; gnomAD 0.00001.
gnomAD v4.1: 2 of 1,612,032 alleles (0.00012%); highest among the groups gnomAD compares: Non-Finnish European, 0.00017%; no homozygotes.

Submissions (4):

Labcorp Genetics (formerly Invitae), Labcorp
Classification: Uncertain significance for Familial cancer of breast. Last evaluated: 2025-05-05. Review status: criteria provided, single submitter. Criteria: Invitae Variant Classification Sherloc (09022015). Collection method: clinical testing. Allele origin: germline.
Comment: This sequence change replaces leucine, which is neutral and non-polar, with phenylalanine, which is neutral and non-polar, at codon 1045 of the PALB2 protein (p.Leu1045Phe). This variant is not present in population databases (gnomAD no frequency). This variant has not been reported in the literature in individuals affected with PALB2-related conditions. ClinVar contains an entry for this variant (Variation ID: 575265). Invitae Evidence Modeling of protein sequence and biophysical properties (such as structural, functional, and spatial information, amino acid conservation, physicochemical variation, residue mobility, and thermodynamic stability) indicates that this missense variant is expected to disrupt PALB2 protein function with a positive predictive value of 80%. In summary, the available evidence is currently insufficient to determine the role of this variant in disease. Therefore, it has been classified as a Variant of Uncertain Significance.

GeneDx
Classification: Uncertain significance. Last evaluated: 2024-04-03. Review status: criteria provided, single submitter. Criteria: GeneDx Variant Classification Process June 2021. Collection method: clinical testing. Allele origin: germline. Affected: yes.
Comment: Not observed at significant frequency in large population cohorts (gnomAD); In silico analysis supports that this missense variant has a deleterious effect on protein structure/function; Has not been previously published as pathogenic or benign to our knowledge; This variant is associated with the following publications: (PMID: 30003184, 36922933, 24485656, 19609323, 20871615)

Ambry Genetics
Classification: Uncertain significance for Hereditary cancer-predisposing syndrome. Last evaluated: 2024-03-22. Review status: criteria provided, single submitter. Criteria: Ambry Variant Classification Scheme 2023. Collection method: clinical testing. Allele origin: germline.
Comment: The p.L1045F variant (also known as c.3133C>T), located in coding exon 11 of the PALB2 gene, results from a C to T substitution at nucleotide position 3133. The leucine at codon 1045 is replaced by phenylalanine, an amino acid with highly similar properties. This amino acid position is highly conserved in available vertebrate species. In addition, this alteration is predicted to be tolerated by in silico analysis. Since supporting evidence is limited at this time, the clinical significance of this alteration remains unclear.

Baylor Genetics
Classification: Uncertain significance for Familial cancer of breast. Last evaluated: 2023-12-27. Review status: criteria provided, single submitter. Criteria: ACMG Guidelines, 2015. Collection method: clinical testing. Allele origin: unknown.

NM_024675.4(PALB2):c.3133C>T (p.Leu1045Phe)

Gene: PALB2 (partner and localizer of BRCA2; minus strand). Cytogenetic location: 16p12.2.
Variant type: single nucleotide variant.
Coding change: c.3133C>T on transcript NM_024675.4 (MANE Select); coding-DNA position 3133, C replaced by T.
Protein change: p.Leu1045Phe; replaces leucine 1045 with phenylalanine.
Molecular consequence: missense variant.
Genome position (GRCh38, 1-based): chr16:23,614,072, G>A on the plus strand (C>T on the coding strand, the complement: PALB2 is on the minus strand). VCF-style: chr16-23614072-G-A. GRCh37 (hg19) VCF-style: chr16-23625393-G-A.
Other names: short protein forms L1045F.
Identifiers: ClinVar variation 575265 (VCV000575265.22), dbSNP rs1567209904, ClinGen allele CA395141404.